The following is an entry in ClinVar:

ClinVar aggregate classification (germline): Pathogenic (1 of 4 stars; one submission).

Conditions:
Pitt-Hopkins syndrome (PTHS). Also called: ENCEPHALOPATHY, SEVERE EPILEPTIC, WITH AUTONOMIC DYSFUNCTION; MENTAL RETARDATION, SYNDROMAL, WITH INTERMITTENT HYPERVENTILATION. Identifiers: Orphanet 2896, MedGen C1970431, MONDO:0012589, OMIM 610954.

Submission:

Labcorp Genetics (formerly Invitae), Labcorp
Classification: Pathogenic for Pitt-Hopkins syndrome. Last evaluated: 2023-08-20. Review status: criteria provided, single submitter. Criteria: Invitae Variant Classification Sherloc (09022015). Collection method: clinical testing. Allele origin: germline.
Comment: This sequence change creates a premature translational stop signal (p.Lys14Ilefs*10) in the TCF4 gene. It is expected to result in an absent or disrupted protein product. Loss-of-function variants in TCF4 are known to be pathogenic (PMID: 18728071, 22045651). This variant is not present in population databases (gnomAD no frequency). This variant has not been reported in the literature in individuals affected with TCF4-related conditions. For these reasons, this variant has been classified as Pathogenic.

Literature cited by the submitters: PubMed 18728071; PubMed 22045651.

NM_001083962.2(TCF4):c.41_62del (p.Lys14fs)

Gene: TCF4 (transcription factor 4; minus strand). Cytogenetic location: 18q21.2.
Variant type: Deletion.
Coding change: c.41_62del on transcript NM_001083962.2 (MANE Select); coding-DNA positions 41 to 62, 22 bases deleted (AAGAGCTGAGTGATTTACTGGA).
Protein change: p.Lys14fs; shifts the reading frame from lysine 14.
Molecular consequence: frameshift variant. On other transcripts: intron variant (12).
Genome position (GRCh38, 1-based): chr18:55,587,055-55,587,076, TCCAGTAAATCACTCAGCTCTT deleted on the plus strand (AAGAGCTGAGTGATTTACTGGA on the coding strand, the reverse complement: TCF4 is on the minus strand); deleting any 22 consecutive bases within chr18:55,587,055-55,587,077 gives the same sequence; the c. name uses the placement nearest the transcript's 3' end. VCF-style (leftmost placement, unchanged base first): chr18-55587054-ATCCAGTAAATCACTCAGCTCTT-A. GRCh37 (hg19) VCF-style: chr18-53254285-ATCCAGTAAATCACTCAGCTCTT-A.
Other names: c.347_368del, p.Lys116fs (NM_001243226.3); c.41_62del, p.Lys14fs (NM_001243228.2, NM_001330604.3, NM_001369567.1 and 8 more transcripts); c.1-1724_1-1703del (NM_001369584.1, NM_001369576.1, NM_001369577.1 and 3 more transcripts); c.66+1394_66+1415del (NM_001243230.2); c.-1+962_-1+983del (NM_001369585.1, NM_001369578.1, NM_001369579.1 and 2 more transcripts); short protein forms K116fs, K14fs.
Identifiers: ClinVar variation 2795036 (VCV002795036.3), dbSNP rs2511931348, ClinGen allele CA2739268765.
Genomic context (GRCh38, chr18:55,587,054, plus strand): 5'-TTTGTTTTGTTTTTTTCACAGCTGTTGTTAGTTTCCACCGTTCTTTCTTACCGCACTGAA[ATCCAGTAAATCACTCAGCTCTT>A]TGTCCGTCCCTAAGGCAGCCATTCGCTGTTGGTGATGCATTTTAGCAAAATCACACAAAC-3'